The following is an entry in ClinVar:

NM_007194.4(CHEK2):c.415T>C (p.Tyr139His)

Gene: CHEK2 (checkpoint kinase 2; minus strand). Cytogenetic location: 22q12.1.
Variant type: single nucleotide variant.
Coding change: c.415T>C on transcript NM_007194.4 (MANE Select); coding-DNA position 415, T replaced by C.
Protein change: p.Tyr139His; replaces tyrosine 139 with histidine.
Molecular consequence: missense variant.
Genome position (GRCh38, 1-based): chr22:28,725,272, A>G on the plus strand (T>C on the coding strand, the complement: CHEK2 is on the minus strand). VCF-style: chr22-28725272-A-G. GRCh37 (hg19) VCF-style: chr22-29121260-A-G.
Other names: c.544T>C, p.Tyr182His (NM_001005735.3); c.-363T>C (NM_001257387.3); c.415T>C, p.Tyr139His (NM_001349956.3, NM_145862.3); short protein forms Y139H, Y182H.
Identifiers: ClinVar variation 481729 (VCV000481729.17), dbSNP rs730881703, ClinGen allele CA411107956.

ClinVar aggregate classification (germline): Conflicting classifications of pathogenicity. Review status: criteria provided, conflicting classifications (1 of 4 stars). 5 submissions from 5 submitters: Likely pathogenic (1); Uncertain significance (4). Last evaluated 2025-09-24.

Conditions:
Hereditary cancer-predisposing syndrome. Also called: Tumor predisposition; Hereditary Cancer Syndrome; Neoplastic Syndromes, Hereditary; Hereditary neoplastic syndrome. Identifiers: Orphanet 140162, MedGen C0027672, MeSH D009386, MONDO:0015356.
Familial cancer of breast. Also called: hereditary breast carcinoma; Hereditary breast cancer; BREAST CANCER, FAMILIAL. Identifiers: Orphanet 227535, MedGen C0346153, MONDO:0016419, OMIM 114480. Disease mechanism: loss of function.
Hereditary breast ovarian cancer syndrome. Also called: Hereditary breast and ovarian cancer; Hereditary breast and ovarian cancer syndrome (HBOC); Hereditary breast and ovarian cancer syndrome; BRCA1- and BRCA2-Associated Hereditary Breast and Ovarian Cancer; Hereditary breast and/or ovarian cancer syndrome; Breast and ovarian cancer. Identifiers: Orphanet 145, MedGen C0677776, MeSH D061325, MONDO:0003582. Disease mechanism: loss of function.

Allele frequency attached by ClinVar (database versions not stated): gnomAD exomes below 0.00001.
gnomAD v4.1: 4 of 1,614,130 alleles (0.00025%); highest among the groups gnomAD compares: South Asian, 0.0011%; no homozygotes.

Submissions (5):

Labcorp Genetics (formerly Invitae), Labcorp
Classification: Uncertain significance for Familial cancer of breast. Last evaluated: 2025-09-24. Review status: criteria provided, single submitter. Criteria: Invitae Variant Classification Sherloc (09022015). Collection method: clinical testing. Allele origin: germline.
Comment: This sequence change replaces tyrosine, which is neutral and polar, with histidine, which is basic and polar, at codon 139 of the CHEK2 protein (p.Tyr139His). This variant is not present in population databases (gnomAD no frequency). This variant has not been reported in the literature in individuals affected with CHEK2-related conditions. ClinVar contains an entry for this variant (Variation ID: 481729). An algorithm developed to predict the effect of missense changes on protein structure and function (PolyPhen-2) suggests that this variant is likely to be disruptive. Experimental studies have shown that this missense change affects CHEK2 function (PMID: 37449874). In summary, the available evidence is currently insufficient to determine the role of this variant in disease. Therefore, it has been classified as a Variant of Uncertain Significance.

Color Diagnostics, LLC DBA Color Health
Classification: Uncertain significance for Hereditary cancer-predisposing syndrome. Last evaluated: 2024-11-13. Review status: criteria provided, single submitter. Criteria: ACMG Guidelines, 2015. Collection method: clinical testing. Allele origin: germline.
Comment: This missense variant replaces tyrosine with histidine at codon 139 of the CHEK2 protein. Computational prediction suggests that this variant may have deleterious impact on protein structure and function. Experimentall studies have shown that this variant is defective in CHK2 autophosphorylation and KAP1 kinases assays (PMID: 37449874). To our knowledge, this variant has not been reported in individuals affected with CHEK2-related disorders in the literature. This variant has not been identified in the general population by the Genome Aggregation Database (gnomAD). The available evidence is insufficient to determine the role of this variant in disease conclusively. Therefore, this variant is classified as a Variant of Uncertain Significance.

Blueprint Genetics
Classification: Uncertain significance. Last evaluated: 2024-09-10. Review status: criteria provided, single submitter. Criteria: ACMG Guidelines, 2015. Collection method: clinical testing. Allele origin: germline.

German Consortium for Hereditary Breast and Ovarian Cancer, University Hospital Cologne
Classification: Likely pathogenic for Hereditary breast ovarian cancer syndrome. Last evaluated: 2024-05-03. Review status: criteria provided, single submitter. Criteria: ACMG Guidelines, 2015. Collection method: curation. Allele origin: germline.
Comment: According to the ACMG SVI adaptation criteria we chose these criteria: PS3 (strong pathogenic): Stolarova 2023: KAP1 und CHK2 assay damaging, PM2 (supporting pathogenic): absent from controls (gnomAD v2/3), PP3 (supporting pathogenic): REVEL: 0.757 (cutoff > 0.733)

Ambry Genetics
Classification: Uncertain significance for Hereditary cancer-predisposing syndrome. Last evaluated: 2024-01-31. Review status: criteria provided, single submitter. Criteria: Ambry Variant Classification Scheme 2023. Collection method: clinical testing. Allele origin: germline.
Comment: The p.Y139H variant (also known as c.415T>C), located in coding exon 2 of the CHEK2 gene, results from a T to C substitution at nucleotide position 415. The tyrosine at codon 139 is replaced by histidine, an amino acid with similar properties. This alteration was reported as functionally impaired in a study assessing CHEK2-complementation through quantification of KAP1 phosphorylation and CHK2 autophosphorylation in human RPE1-CHEK2-knockout cells (Stolarova L et al. Clin Cancer Res, 2023 Aug;29:3037-3050). This amino acid position is highly conserved in available vertebrate species. In addition, this alteration is predicted to be deleterious by in silico analysis. Based on the available evidence, the clinical significance of this alteration remains unclear.

Literature cited by the submitters: PubMed 37449874 (cited by 3 submitters).